The following is an entry in ClinVar:

ClinVar aggregate classification (germline): Uncertain significance (1 of 4 stars; one submission).

Conditions:
Episodic ataxia type 2 (EA2). Also called: ATAXIA, EPISODIC, WITH NYSTAGMUS; ATAXIA, FAMILIAL PAROXYSMAL; CEREBELLAR ATAXIA, PAROXYSMAL, ACETAZOLAMIDE-RESPONSIVE; CEREBELLOPATHY, HEREDITARY PAROXYSMAL; EPISODIC ATAXIA, NYSTAGMUS-ASSOCIATED; ACETAZOLAMIDE-RESPONSIVE HEREDITARY PAROXYSMAL CEREBELLAR ATAXIA. Identifiers: Orphanet 97, MedGen C1720416, MONDO:0007163, OMIM 108500.
Developmental and epileptic encephalopathy, 42 (DEE42A). Also called: Epileptic encephalopathy, early infantile, 42; DEVELOPMENTAL AND EPILEPTIC ENCEPHALOPATHY 42A; EPILEPTIC ENCEPHALOPATHY, EARLY INFANTILE, 42A. Identifiers: MedGen C4310716, MONDO:0014917, OMIM 617106.

Submission:

Labcorp Genetics (formerly Invitae), Labcorp
Classification: Uncertain significance for Developmental and epileptic encephalopathy, 42; Episodic ataxia type 2. Last evaluated: 2022-04-07. Review status: criteria provided, single submitter. Criteria: Invitae Variant Classification Sherloc (09022015). Collection method: clinical testing. Allele origin: germline.
Comment: In summary, the available evidence is currently insufficient to determine the role of this variant in disease. Therefore, it has been classified as a Variant of Uncertain Significance. Algorithms developed to predict the effect of missense changes on protein structure and function are either unavailable or do not agree on the potential impact of this missense change (SIFT: "Deleterious"; PolyPhen-2: "Probably Damaging"; Align-GVGD: "Class C15"). This variant has not been reported in the literature in individuals affected with CACNA1A-related conditions. This variant is not present in population databases (gnomAD no frequency). This sequence change replaces serine, which is neutral and polar, with cysteine, which is neutral and slightly polar, at codon 429 of the CACNA1A protein (p.Ser429Cys).

NM_001127222.2(CACNA1A):c.1282A>T (p.Ser428Cys)

Gene: CACNA1A (calcium voltage-gated channel subunit alpha1 A; minus strand). Cytogenetic location: 19p13.13.
Variant type: single nucleotide variant.
Coding change: c.1282A>T on transcript NM_001127222.2 (MANE Select); coding-DNA position 1282, A replaced by T.
Protein change: p.Ser428Cys; replaces serine 428 with cysteine.
Molecular consequence: missense variant.
Genome position (GRCh38, 1-based): chr19:13,330,307, T>A on the plus strand (A>T on the coding strand, the complement: CACNA1A is on the minus strand). VCF-style: chr19-13330307-T-A. GRCh37 (hg19) VCF-style: chr19-13441121-T-A.
Other names: c.1285A>T, p.Ser429Cys (NM_000068.4, NM_001127221.2, NM_001174080.2 and 1 more transcripts); short protein forms S428C, S429C.
Identifiers: ClinVar variation 1953420 (VCV001953420.5), dbSNP rs2513031258, ClinGen allele CA404346168.